The following is an entry in ClinVar:

NM_053025.4(MYLK):c.2305G>A (p.Glu769Lys)

Gene: MYLK (myosin light chain kinase; minus strand). Cytogenetic location: 3q21.1.
Variant type: single nucleotide variant.
Coding change: c.2305G>A on transcript NM_053025.4 (MANE Select); coding-DNA position 2305, G replaced by A.
Protein change: p.Glu769Lys; replaces glutamic acid 769 with lysine.
Molecular consequence: missense variant.
Genome position (GRCh38, 1-based): chr3:123,707,839, C>T on the plus strand (G>A on the coding strand, the complement: MYLK is on the minus strand). VCF-style: chr3-123707839-C-T. GRCh37 (hg19) VCF-style: chr3-123426686-C-T.
Other names: c.1777G>A, p.Glu593Lys (NM_001321309.2); c.2098G>A, p.Glu700Lys (NM_053026.4, NM_053028.4); c.2305G>A, p.Glu769Lys (NM_053027.4); short protein forms E769K, E700K, E593K.
Identifiers: ClinVar variation 575277 (VCV000575277.15), dbSNP rs201806277, ClinGen allele CA068374.

ClinVar aggregate classification (germline): Conflicting classifications of pathogenicity. Review status: criteria provided, conflicting classifications (1 of 4 stars). 4 submissions from 4 submitters: Uncertain significance (3); Likely benign (1). Last evaluated 2025-12-30.

Conditions:
Aortic aneurysm, familial thoracic 7 (AAT7). Also called: AORTIC DISSECTION, FAMILIAL, WITH OR WITHOUT AORTIC ANEURYSM. Identifiers: MedGen C3151077, MONDO:0013418, OMIM 613780.
Familial thoracic aortic aneurysm and aortic dissection (TAAD). Also called: Thoracic aortic aneurysms and dissections. Identifiers: Orphanet 91387, MedGen C4707243, MONDO:0019625.
MYLK-related disorder. Also called: MYLK-related condition.

Allele frequency attached by ClinVar (database versions not stated): gnomAD exomes 0.00003 and 0.00014; gnomAD 0.00007; ExAC 0.00010; TOPMed 0.00011; 1000 Genomes Project 0.00020; 1000 Genomes Project 30x 0.00031.
gnomAD v4.1: 64 of 1,614,222 alleles (0.004%); highest among the groups gnomAD compares: Admixed American, 0.053%; no homozygotes.

Submissions (4):

Labcorp Genetics (formerly Invitae), Labcorp
Classification: Likely benign for Aortic aneurysm, familial thoracic 7. Last evaluated: 2025-12-30. Review status: criteria provided, single submitter. Criteria: Invitae Variant Classification Sherloc (09022015). Collection method: clinical testing. Allele origin: germline.

Ambry Genetics
Classification: Uncertain significance for Familial thoracic aortic aneurysm and aortic dissection. Last evaluated: 2025-11-20. Review status: criteria provided, single submitter. Criteria: Ambry Variant Classification Scheme 2023. Collection method: clinical testing. Allele origin: germline.
Comment: The p.E769K variant (also known as c.2305G>A), located in coding exon 13 of the MYLK gene, results from a G to A substitution at nucleotide position 2305. The glutamic acid at codon 769 is replaced by lysine, an amino acid with similar properties. This amino acid position is highly conserved in available vertebrate species. In addition, the in silico prediction for this alteration is inconclusive. Based on the available evidence, the clinical significance of this variant remains unclear.

PreventionGenetics, part of Exact Sciences
Classification: Uncertain significance for MYLK-related condition. Last evaluated: 2025-02-21. Review status: criteria provided, single submitter. Criteria: ACMG Guidelines, 2015. Collection method: clinical testing. Allele origin: germline.
Comment: The MYLK c.2305G>A variant is predicted to result in the amino acid substitution p.Glu769Lys. To our knowledge, this variant has not been reported in the literature. This variant is reported in 0.065% of alleles in individuals of Latino descent in gnomAD. Although we suspect that this variant may be benign, at this time, the clinical significance of this variant is uncertain due to the absence of conclusive functional and genetic evidence.

GeneDx
Classification: Uncertain significance. Last evaluated: 2024-01-09. Review status: criteria provided, single submitter. Criteria: GeneDx Variant Classification Process June 2021. Collection method: clinical testing. Allele origin: germline. Affected: yes.
Comment: Has not been previously published as pathogenic or benign to our knowledge; In silico analysis supports that this missense variant does not alter protein structure/function